The following is an entry in ClinVar:

NM_000138.5(FBN1):c.6590del (p.Glu2197fs)

Gene: FBN1 (fibrillin 1; minus strand). Cytogenetic location: 15q21.1.
Variant type: Deletion.
Coding change: c.6590del on transcript NM_000138.5 (MANE Select); coding-DNA position 6590, one base deleted (A; older notation c.6590delA).
Protein change: p.Glu2197fs; shifts the reading frame from glutamic acid 2197.
Molecular consequence: frameshift variant.
Genome position (GRCh38, 1-based): chr15:48,434,620, T deleted on the plus strand (A on the coding strand, the reverse complement: FBN1 is on the minus strand). VCF-style (leftmost placement, unchanged base first): chr15-48434619-CT-C. GRCh37 (hg19) VCF-style: chr15-48726816-CT-C.
Other names: c.6590delA, p.Glu2197Glyfs (NM_001406716.1); short protein forms E2197fs.
Identifiers: ClinVar variation 1754360 (VCV001754360.2), dbSNP rs2505429354, ClinGen allele CA2580089716.
Genomic context (GRCh38, chr15:48,434,619, plus strand): 5'-CACGTAATCAACTGTTCTCTGTTTAAGAGATGTACCTTCACATGTCATCATTGGACCGGG[CT>C]CAAATCCCTCCTCGCAGGTGCATTCAAAACCTCCAATCACATTCTTGCAGGTTCCATTTC-3'

ClinVar aggregate classification (germline): Pathogenic (1 of 4 stars; one submission).

Conditions:
Familial thoracic aortic aneurysm and aortic dissection (TAAD). Also called: Thoracic aortic aneurysms and dissections. Identifiers: Orphanet 91387, MedGen C4707243, MONDO:0019625.

Submission:

Ambry Genetics
Classification: Pathogenic for Familial thoracic aortic aneurysm and aortic dissection. Last evaluated: 2019-01-18. Review status: criteria provided, single submitter. Criteria: Ambry Variant Classification Scheme 2023. Collection method: clinical testing. Allele origin: germline.
Comment: The c.6590delA pathogenic mutation, located in coding exon 53 of the FBN1 gene, results from a deletion of one nucleotide at nucleotide position 6590, causing a translational frameshift with a predicted alternate stop codon (p.E2197Gfs*5), and is located in the cbEGF-like #33 domain. This alteration is expected to result in loss of function by premature protein truncation or nonsense-mediated mRNA decay. As such, this alteration is interpreted as a disease-causing mutation.